The following is an entry in ClinVar:

ClinVar aggregate classification (germline): Likely pathogenic (1 of 4 stars; one submission).

Conditions:
AASS-related disorder. Also called: AASS-related condition.

Submission:

PreventionGenetics, part of Exact Sciences
Classification: Likely pathogenic for AASS-related condition. Last evaluated: 2026-07-23. Review status: criteria provided, single submitter. Criteria: ACMG Guidelines, 2015. Collection method: clinical testing. Allele origin: germline.
Comment: The AASS c.979_980delAG variant is predicted to result in a frameshift and premature protein termination (p.Leu328Profs*26). To our knowledge, this variant has not been reported in the literature or in a large population database (gnomAD), indicating this variant is rare. Frameshift variants in AASS are expected to be pathogenic. This variant is interpreted as likely pathogenic.

NM_005763.4(AASS):c.979_980del (p.Leu328fs)

Gene: AASS (aminoadipate-semialdehyde synthase; minus strand). Cytogenetic location: 7q31.32.
Variant type: Microsatellite.
Coding change: c.979_980del on transcript NM_005763.4 (MANE Select); coding-DNA positions 979 to 980, 2 bases deleted (AG; older notation c.979_980delAG).
Protein change: p.Leu328fs; shifts the reading frame from leucine 328.
Molecular consequence: frameshift variant.
Genome position (GRCh38, 1-based): chr7:122,115,137-122,115,138, CT deleted on the plus strand (AG on the coding strand, the reverse complement: AASS is on the minus strand); deleting any 2 consecutive bases within chr7:122,115,137-122,115,140 gives the same sequence; the c. name uses the placement nearest the transcript's 3' end. VCF-style (leftmost placement, unchanged base first): chr7-122115136-ACT-A. GRCh37 (hg19) VCF-style: chr7-121755190-ACT-A.
Other names: short protein forms L328fs.
Identifiers: ClinVar variation 4987311 (VCV004987311.1).